The following is an entry in ClinVar:

ClinVar aggregate classification (germline): Uncertain significance (1 of 4 stars; one submission).

Allele frequency attached by ClinVar (database versions not stated): gnomAD exomes below 0.00001; ExAC 0.00001.
gnomAD v4.1: 2 of 1,613,542 alleles (0.00012%); highest among the groups gnomAD compares: Non-Finnish European, 0.00017%; no homozygotes.

Submission:

Labcorp Genetics (formerly Invitae), Labcorp
Classification: Uncertain significance. Last evaluated: 2021-12-02. Review status: criteria provided, single submitter. Criteria: Invitae Variant Classification Sherloc (09022015). Collection method: clinical testing. Allele origin: germline.
Comment: In summary, the available evidence is currently insufficient to determine the role of this variant in disease. Therefore, it has been classified as a Variant of Uncertain Significance. Algorithms developed to predict the effect of missense changes on protein structure and function are either unavailable or do not agree on the potential impact of this missense change (SIFT: "Deleterious"; PolyPhen-2: "Not Available"; Align-GVGD: "Class C65"). This variant has not been reported in the literature in individuals affected with KIAA1161-related conditions. This variant is present in population databases (rs747044196, gnomAD 0.0009%). This sequence change replaces aspartic acid, which is acidic and polar, with tyrosine, which is neutral and polar, at codon 288 of the KIAA1161 protein (p.Asp288Tyr).

NM_020702.5(MYORG):c.862G>T (p.Asp288Tyr)

Gene: MYORG (myogenesis regulating glycosidase; minus strand). Cytogenetic location: 9p13.3.
Variant type: single nucleotide variant.
Coding change: c.862G>T on transcript NM_020702.5 (MANE Select); coding-DNA position 862, G replaced by T.
Protein change: p.Asp288Tyr; replaces aspartic acid 288 with tyrosine.
Molecular consequence: missense variant.
Genome position (GRCh38, 1-based): chr9:34,372,082, C>A on the plus strand (G>T on the coding strand, the complement: MYORG is on the minus strand). VCF-style: chr9-34372082-C-A. GRCh37 (hg19) VCF-style: chr9-34372080-C-A.
Other names: short protein forms D288Y.
Identifiers: ClinVar variation 1681309 (VCV001681309.8), dbSNP rs747044196, ClinGen allele CA5033053.